The following is an entry in ClinVar:

NM_000321.3(RB1):c.1178del (p.Ser393fs)

Gene: RB1 (RB transcriptional corepressor 1; plus strand). Cytogenetic location: 13q14.2.
Variant type: Deletion.
Coding change: c.1178del on transcript NM_000321.3 (MANE Select); coding-DNA position 1178, one base deleted (G; older notation c.1178delG).
Protein change: p.Ser393fs; shifts the reading frame from serine 393.
Molecular consequence: frameshift variant.
Genome position (GRCh38, 1-based): chr13:48,373,455, G deleted. VCF-style (leftmost placement, unchanged base first): chr13-48373454-AG-A. GRCh37 (hg19) VCF-style: chr13-48947590-AG-A.
Other names: c.1178del, p.Ser393fs (NM_001407165.1, NM_001407166.1); short protein forms S393fs.
Identifiers: ClinVar variation 3236959 (VCV003236959.1), dbSNP rs2542194998.

ClinVar aggregate classification (germline): Pathogenic (1 of 4 stars; one submission).

Conditions:
Retinoblastoma (RB1). Also called: RETINOBLASTOMA, SOMATIC. Identifiers: Orphanet 790, MedGen C0035335, MeSH D012175, MONDO:0008380, OMIM 180200, HP:0009919. Disease mechanism: loss of function. Inheritance: Both sporadic and heritable forms are tested..

Submission:

Genetic Diagnostic Laboratory, University of Pennsylvania School of Medicine
Classification: Pathogenic for Retinoblastoma. Last evaluated: 2024-05-20. Review status: criteria provided, single submitter. Criteria: ACMG Guidelines, 2015. Collection method: clinical testing. Allele origin: germline. Affected: yes. Observed: 1 variant allele.
Comment: Case and Pedigree Information: BILATERAL CASES:1, UNILATERAL CASES:0, TOTAL CASES:1, PEDIGREES:1. ACMG Codes Applied:PVS1, PM2